The following is an entry in ClinVar:

ClinVar aggregate classification (germline): Uncertain significance (1 of 4 stars; one submission).

Conditions:
Familial adenomatous polyposis 1 (FAP1). Also called: FAMILIAL ADENOMATOUS POLYPOSIS 1, ATTENUATED; POLYPOSIS, ADENOMATOUS INTESTINAL. Identifiers: MedGen C2713442, MONDO:0021056, OMIM 175100. Disease mechanism: loss of function.

Submission:

Labcorp Genetics (formerly Invitae), Labcorp
Classification: Uncertain significance for Familial adenomatous polyposis 1. Last evaluated: 2025-12-08. Review status: criteria provided, single submitter. Criteria: Invitae Variant Classification Sherloc (09022015). Collection method: clinical testing. Allele origin: germline.
Comment: This variant occurs in a non-coding region of the APC gene. It does not change the encoded amino acid sequence of the APC protein. This variant is not present in population databases (gnomAD no frequency). This variant has not been reported in the literature in individuals affected with APC-related conditions. Experimental studies and prediction algorithms are not available or were not evaluated, and the functional significance of this variant is currently unknown. In summary, the available evidence is currently insufficient to determine the role of this variant in disease. Therefore, it has been classified as a Variant of Uncertain Significance.

NM_001127511.3(APC):c.-139G>A

Gene: APC (APC regulator of Wnt signaling pathway; plus strand). Cytogenetic location: 5q22.2.
Variant type: single nucleotide variant.
Coding change: c.-139G>A on transcript NM_001127511.3; 139 bases upstream of the start codon, G replaced by A.
Molecular consequence: 5 prime UTR variant. On other transcripts: non-coding transcript variant (2).
Genome position (GRCh38, 1-based): chr5:112,707,579, G>A. VCF-style: chr5-112707579-G-A. GRCh37 (hg19) VCF-style: chr5-112043276-G-A.
Other names: c.-322G>A (NM_001354895.2, NM_001407447.1, NM_001407452.1 and 3 more transcripts); c.-139G>A (NM_001354897.2, NM_001354902.2, NM_001407446.1); c.-89G>A (NM_001407448.1, NM_001407450.1, NM_001407457.1 and 1 more transcripts); c.-113G>A (NM_001407453.1); c.-1357G>A (NM_001407470.1, NM_001407472.1).
Identifiers: ClinVar variation 1017998 (VCV001017998.7), dbSNP rs1554060208, ClinGen allele CA1573442476.
Genomic context (GRCh38, chr5:112,707,579, plus strand): 5'-CCACAAGATGGCGGAGGGCAAGTAGCAAGGGGGCGGGGTGTGGCCGCCGGAAGCCTAGCC[G>A]CTGCTCGGGGGGGACCTGCGGGCTCAGGCCCGGGAGCTGCGGACCGAGGTTGGCTCGATG-3'